The following is an entry in ClinVar:

NM_000722.4(CACNA2D1):c.295-65A>G

Gene: CACNA2D1 (calcium voltage-gated channel auxiliary subunit alpha2delta 1; minus strand). Cytogenetic location: 7q21.11.
Variant type: single nucleotide variant.
Coding change: c.295-65A>G on transcript NM_000722.4 (MANE Select); 65 bases into the intron before coding-DNA position 295, A replaced by G.
Molecular consequence: intron variant.
Genome position (GRCh38, 1-based): chr7:82,170,674, T>C on the plus strand (A>G on the coding strand, the complement: CACNA2D1 is on the minus strand). VCF-style: chr7-82170674-T-C. GRCh37 (hg19) VCF-style: chr7-81799990-T-C.
Other names: c.295-65A>G (NM_001366867.1, NM_001302890.2).
Identifiers: ClinVar variation 674763 (VCV000674763.2), dbSNP rs73705856, ClinGen allele CA161618523.
Genomic context (GRCh38, chr7:82,170,674, plus strand): 5'-AAAACAAACAATAAATCTTAGAATTCAAATGAACACGTAATATGGAATTGTTATATAAAA[T>C]GCTTGCGCTTTCTAATCAATTTTGAGGACATAAAAAGCAGAAGATGATCCTTATTTATGA-3'

ClinVar aggregate classification (germline): Benign. Review status: criteria provided, multiple submitters, no conflicts (2 of 4 stars). 2 submissions from 2 submitters: Benign (2). Last evaluated 2018-06-16.

Allele frequency attached by ClinVar (database versions not stated): gnomAD exomes 0.02807; 1000 Genomes Project 0.06090; 1000 Genomes Project 30x 0.06433; gnomAD 0.06438 and 0.06820; ESP Exome Variant Server 0.07030; TOPMed 0.07102.
gnomAD v4.1: 45,521 of 1,409,968 alleles (3.2%); highest among the groups gnomAD compares: African/African-American, 17%; 1,602 homozygotes.

Submissions (2):

GeneDx
Classification: Benign. Last evaluated: 2018-06-16. Review status: criteria provided, single submitter. Criteria: GeneDx Variant Classification (06012015). Collection method: clinical testing. Allele origin: germline. Affected: yes.
Comment: This variant is considered likely benign or benign based on one or more of the following criteria: it is a conservative change, it occurs at a poorly conserved position in the protein, it is predicted to be benign by multiple in silico algorithms, and/or has population frequency not consistent with disease.

Breakthrough Genomics
Classification: Benign. Review status: criteria provided, single submitter. Criteria: ACMG Guidelines, 2015. Collection method: not provided. Allele origin: germline. Inheritance: Autosomal recessive inheritance. Affected: yes.